The following is an entry in ClinVar:

NM_012233.3(RAB3GAP1):c.1185_1186del (p.Gly396fs)

Gene: RAB3GAP1 (RAB3 GTPase activating protein catalytic subunit 1; plus strand). Cytogenetic location: 2q21.3.
Variant type: Microsatellite.
Coding change: c.1185_1186del on transcript NM_012233.3 (MANE Select); coding-DNA positions 1185 to 1186, 2 bases deleted (AG; older notation c.1185_1186delAG).
Protein change: p.Gly396fs; shifts the reading frame from glycine 396.
Molecular consequence: frameshift variant.
Genome position (GRCh38, 1-based): chr2:135,130,670-135,130,671, AG deleted; deleting any 2 consecutive bases within chr2:135,130,668-135,130,671 gives the same sequence; the c. name uses the placement nearest the transcript's 3' end. VCF-style (leftmost placement, unchanged base first): chr2-135130667-CAG-C. GRCh37 (hg19) VCF-style: chr2-135888237-CAG-C.
Other names: c.1185_1186del, p.Gly396fs (NM_001172435.2); short protein forms G396fs.
Identifiers: ClinVar variation 2632820 (VCV002632820.4), dbSNP rs2468214371, ClinGen allele CA2661248017.
Genomic context (GRCh38, chr2:135,130,667, plus strand): 5'-AATTCATAAATTATCAGTTTCAAATATGGTACACACTGCAAAGAAGAAAATCCGAAAACA[CAG>C]AGGTGTAGAGGAGTCACCGCTAAATAATGATGTTCTTAATACTATTCTCCTGGTAACTAA-3'

ClinVar aggregate classification (germline): Pathogenic/Likely pathogenic. Review status: criteria provided, multiple submitters, no conflicts (2 of 4 stars). 2 submissions from 2 submitters: Pathogenic (1); Likely pathogenic (1). Last evaluated 2023-05-18.

Conditions:
RAB3GAP1-related disorder. Also called: RAB3GAP1-related condition; RAB3GAP1-related disorders.

Submissions (2):

PreventionGenetics, part of Exact Sciences
Classification: Likely pathogenic for RAB3GAP1-related condition. Last evaluated: 2023-05-18. Review status: criteria provided, single submitter. Criteria: ACMG Guidelines, 2015. Collection method: clinical testing. Allele origin: germline.
Comment: The RAB3GAP1 c.1185_1186delAG variant is predicted to result in a frameshift and premature protein termination (p.Gly396Cysfs*8). To our knowledge, this variant has not been reported in the literature or in a large population database, indicating this variant is rare. Frameshift variants in RAB3GAP1 are expected to be pathogenic. This variant is interpreted as likely pathogenic.

Labcorp Genetics (formerly Invitae), Labcorp
Classification: Pathogenic. Last evaluated: 2023-03-26. Review status: criteria provided, single submitter. Criteria: Invitae Variant Classification Sherloc (09022015). Collection method: clinical testing. Allele origin: germline.
Comment: This variant is not present in population databases (gnomAD no frequency). This sequence change creates a premature translational stop signal (p.Gly396Cysfs*8) in the RAB3GAP1 gene. It is expected to result in an absent or disrupted protein product. Loss-of-function variants in RAB3GAP1 are known to be pathogenic (PMID: 23420520). This variant has not been reported in the literature in individuals affected with RAB3GAP1-related conditions. For these reasons, this variant has been classified as Pathogenic. Algorithms developed to predict the effect of sequence changes on RNA splicing suggest that this variant may create or strengthen a splice site.

Literature cited by the submitters: PubMed 23420520 (cited by Labcorp Genetics (formerly Invitae), Labcorp).